The following is an entry in ClinVar:

ClinVar aggregate classification (germline): Uncertain significance (1 of 4 stars; one submission).

Conditions:
Kleefstra syndrome 2 (KLEFS2). Identifiers: MedGen C4540395, MONDO:0054701, OMIM 617768.

Submission:

Institute of Human Genetics, University of Leipzig Medical Center
Classification: Uncertain significance for Kleefstra syndrome 2. Last evaluated: 2019-01-01. Review status: criteria provided, single submitter. Criteria: ACMG Guidelines, 2015. Collection method: clinical testing. Allele origin: de novo. Affected: yes.
Comment: This variant was identified as de novo.

NM_170606.3(KMT2C):c.6589C>T (p.Gln2197Ter)

Gene: KMT2C (lysine methyltransferase 2C; minus strand). Cytogenetic location: 7q36.1.
Variant type: single nucleotide variant.
Coding change: c.6589C>T on transcript NM_170606.3 (MANE Select); coding-DNA position 6589, C replaced by T.
Protein change: p.Gln2197Ter; replaces glutamine 2197 with a stop codon.
Molecular consequence: nonsense.
Genome position (GRCh38, 1-based): chr7:152,181,271, G>A on the plus strand (C>T on the coding strand, the complement: KMT2C is on the minus strand). VCF-style: chr7-152181271-G-A. GRCh37 (hg19) VCF-style: chr7-151878356-G-A.
Other names: short protein forms Q2197*.
Identifiers: ClinVar variation 982955 (VCV000982955.1), dbSNP rs2093425957, ClinGen allele CA370092676.